The following is an entry in ClinVar:

ClinVar aggregate classification (germline): Uncertain significance (1 of 4 stars; one submission).

Conditions:
Hypertrophic cardiomyopathy. Also called: HYPERTROPHIC MYOCARDIOPATHY. Identifiers: Orphanet 217569, MedGen C0007194, MeSH D002312, MONDO:0005045, HP:0001639.

Submission:

Labcorp Genetics (formerly Invitae), Labcorp
Classification: Uncertain significance for Hypertrophic cardiomyopathy. Last evaluated: 2024-02-05. Review status: criteria provided, single submitter. Criteria: Invitae Variant Classification Sherloc (09022015). Collection method: clinical testing. Allele origin: germline.
Comment: This sequence change replaces asparagine, which is neutral and polar, with isoleucine, which is neutral and non-polar, at codon 1191 of the MYOM1 protein (p.Asn1191Ile). This variant is not present in population databases (gnomAD no frequency). This variant has not been reported in the literature in individuals affected with MYOM1-related conditions. Advanced modeling of protein sequence and biophysical properties (such as structural, functional, and spatial information, amino acid conservation, physicochemical variation, residue mobility, and thermodynamic stability) performed at Invitae indicates that this missense variant is not expected to disrupt MYOM1 protein function with a negative predictive value of 80%. In summary, the available evidence is currently insufficient to determine the role of this variant in disease. Therefore, it has been classified as a Variant of Uncertain Significance.

NM_003803.4(MYOM1):c.3572A>T (p.Asn1191Ile)

Gene: MYOM1 (myomesin 1; minus strand). Cytogenetic location: 18p11.31.
Variant type: single nucleotide variant.
Coding change: c.3572A>T on transcript NM_003803.4 (MANE Select); coding-DNA position 3572, A replaced by T.
Protein change: p.Asn1191Ile; replaces asparagine 1191 with isoleucine.
Molecular consequence: missense variant.
Genome position (GRCh38, 1-based): chr18:3,102,477, T>A on the plus strand (A>T on the coding strand, the complement: MYOM1 is on the minus strand). VCF-style: chr18-3102477-T-A. GRCh37 (hg19) VCF-style: chr18-3102475-T-A.
Other names: c.3284A>T, p.Asn1095Ile (NM_019856.2); short protein forms N1191I, N1095I.
Identifiers: ClinVar variation 3639034 (VCV003639034.2).